The following is an entry in ClinVar:

NM_000088.4(COL1A1):c.590G>T (p.Gly197Val)

Gene: COL1A1 (collagen type I alpha 1 chain; minus strand). Cytogenetic location: 17q21.33.
Variant type: single nucleotide variant.
Coding change: c.590G>T on transcript NM_000088.4 (MANE Select); coding-DNA position 590, G replaced by T.
Protein change: p.Gly197Val; replaces glycine 197 with valine.
Molecular consequence: missense variant.
Genome position (GRCh38, 1-based): chr17:50,198,001, C>A on the plus strand (G>T on the coding strand, the complement: COL1A1 is on the minus strand). VCF-style: chr17-50198001-C-A. GRCh37 (hg19) VCF-style: chr17-48275362-C-A.
Other names: short protein forms G197V.
Identifiers: ClinVar variation 1339103 (VCV001339103.36), dbSNP rs72667028, ClinGen allele CA400225371.

ClinVar aggregate classification (germline): Pathogenic/Likely pathogenic. Review status: criteria provided, multiple submitters, no conflicts (2 of 4 stars). 4 submissions from 4 submitters: Pathogenic (3); Likely pathogenic (1). Last evaluated 2025-06-18.

Conditions:
Osteogenesis imperfecta type I (OI1). Also called: Lobstein disease; Lobstein's Disease; Classic Non-deforming Osteogenesis Imperfecta with Blue Sclerae; OI, TYPE I; OSTEOGENESIS IMPERFECTA TARDA; OSTEOGENESIS IMPERFECTA WITH BLUE SCLERAE. Identifiers: Orphanet 216796, Orphanet 666, MedGen C0023931, MONDO:0008146, OMIM 166200. Disease mechanism: loss of function.

Submissions (4):

Clinical Biomedical Laboratory, Shriners Hospital For Children - Canada
Classification: Pathogenic for Osteogenesis imperfecta type I. Last evaluated: 2025-06-18. Review status: criteria provided, single submitter. Criteria: ACMG Guidelines, 2015. Collection method: clinical testing. Allele origin: germline. Affected: yes.
Comment: This variant changes a glycine residue in the triple-helical domain of the collagen type I alpha 1 chain to a valine. This glycine substitution is located close to the N-propeptide cleavage site of the alpha 1 chain and therefore might interfere with N-propeptide cleavage. Mutations affecting glycine residues in this area of the alpha 1 chain can cause osteogenesis imperfecta / Ehlers-Danlos syndrome overlap syndrome (PMID 23692737). The variant is not observed in the gnomAD database (v.2.1.1).

Labcorp Genetics (formerly Invitae), Labcorp
Classification: Pathogenic for Osteogenesis imperfecta type I. Last evaluated: 2024-08-30. Review status: criteria provided, single submitter. Criteria: Invitae Variant Classification Sherloc (09022015). Collection method: clinical testing. Allele origin: germline.
Comment: This sequence change replaces glycine, which is neutral and non-polar, with valine, which is neutral and non-polar, at codon 197 of the COL1A1 protein (p.Gly197Val). This variant is not present in population databases (gnomAD no frequency). This missense change has been observed in individual(s) with osteogenesis imperfecta (PMID: 30715774). ClinVar contains an entry for this variant (Variation ID: 1339103). Experimental studies and prediction algorithms are not available or were not evaluated, and the functional significance of this variant is currently unknown. This variant disrupts the triple helix domain of COL1A1. Glycine residues within the Gly-Xaa-Yaa repeats of the triple helix domain are required for the structure and stability of fibrillar collagens (PMID: 7695699, 8218237, 19344236). In COL1A1, variants affecting these glycine residues are significantly enriched in individuals with disease (PMID: 9016532, 17078022) compared to the general population (ExAC). For these reasons, this variant has been classified as Pathogenic.

CeGaT Center for Human Genetics Tuebingen
Classification: Pathogenic. Last evaluated: 2022-05-01. Review status: criteria provided, single submitter. Criteria: CeGaT Center For Human Genetics Tuebingen Variant Classification Criteria Version 2. Collection method: clinical testing. Allele origin: germline. Affected: yes. Observed: 1 variant allele.
Comment: COL1A1: PS1, PS2, PM2, PP3, PS4:Supporting

Neuberg Centre For Genomic Medicine, NCGM
Classification: Likely pathogenic for Osteogenesis imperfecta type I. Review status: criteria provided, single submitter. Criteria: ACMG Guidelines, 2015. Collection method: clinical testing. Allele origin: germline. Affected: yes.
Comment: The missense variant p.G197V in COL1A1 (NM_000088.4) has not been reported previously in affected patients. A different variant affecting the amino acid residue has been reported to be disease causing (Lindahl K et al,2015). The p.G197V variant is novel (not in any individuals) in gnomAD Exomes and is novel (not in any individuals) in 1000 Genomes. Missense changes affecting the glycine residue have been reported to be disease causing. The p.G197V missense variant is predicted to be damaging by both SIFT and PolyPhen2. The glycine residue at codon 197 of COL1A1 is conserved in all mammalian species. The nucleotide c.590 in COL1A1 is predicted conserved by GERP++ and PhyloP across 100 vertebrates. For these reasons, this variant has been classified as Likely Pathogenic.

Literature cited by the submitters: PubMed 30715774 (cited by Clinical Biomedical Laboratory, Shriners Hospital For Children - Canada and Labcorp Genetics (formerly Invitae), Labcorp); PubMed 23692737 (cited by Clinical Biomedical Laboratory, Shriners Hospital For Children - Canada); PubMed 7695699 (cited by Labcorp Genetics (formerly Invitae), Labcorp); PubMed 8218237 (cited by Labcorp Genetics (formerly Invitae), Labcorp); PubMed 19344236 (cited by Labcorp Genetics (formerly Invitae), Labcorp); PubMed 9016532 (cited by Labcorp Genetics (formerly Invitae), Labcorp); PubMed 17078022 (cited by Labcorp Genetics (formerly Invitae), Labcorp).